The following is an entry in ClinVar:

ClinVar aggregate classification (germline): Uncertain significance (1 of 4 stars; one submission).

Conditions:
Retinitis pigmentosa 59 (RP59). Identifiers: Orphanet 791, MedGen C3151227, MONDO:0013468, OMIM 613861.

Submission:

Labcorp Genetics (formerly Invitae), Labcorp
Classification: Uncertain significance for Retinitis pigmentosa 59. Last evaluated: 2023-07-17. Review status: criteria provided, single submitter. Criteria: Invitae Variant Classification Sherloc (09022015). Collection method: clinical testing. Allele origin: germline.
Comment: In summary, the available evidence is currently insufficient to determine the role of this variant in disease. Therefore, it has been classified as a Variant of Uncertain Significance. Advanced modeling of protein sequence and biophysical properties (such as structural, functional, and spatial information, amino acid conservation, physicochemical variation, residue mobility, and thermodynamic stability) performed at Invitae indicates that this missense variant is expected to disrupt DHDDS protein function. This variant has not been reported in the literature in individuals affected with DHDDS-related conditions. This variant is not present in population databases (gnomAD no frequency). This sequence change replaces glycine, which is neutral and non-polar, with valine, which is neutral and non-polar, at codon 54 of the DHDDS protein (p.Gly54Val).

NM_205861.3(DHDDS):c.161G>T (p.Gly54Val)

Gene: DHDDS (dehydrodolichyl diphosphate synthase subunit; plus strand). Cytogenetic location: 1p36.11.
Variant type: single nucleotide variant.
Coding change: c.161G>T on transcript NM_205861.3 (MANE Select); coding-DNA position 161, G replaced by T.
Protein change: p.Gly54Val; replaces glycine 54 with valine.
Molecular consequence: missense variant. On other transcripts: 5 prime UTR variant (1).
Genome position (GRCh38, 1-based): chr1:26,438,265, G>T. VCF-style: chr1-26438265-G-T. GRCh37 (hg19) VCF-style: chr1-26764756-G-T.
Other names: c.161G>T, p.Gly54Val (NM_001243564.2, NM_001243565.2, NM_024887.4); c.-142G>T (NM_001319959.2); short protein forms G54V.
Identifiers: ClinVar variation 2744561 (VCV002744561.3), dbSNP rs2524466340, ClinGen allele CA339138950.
Genomic context (GRCh38, chr1:26,438,265, plus strand): 5'-ACGGGAACCGTCGCTATGCCAAGAAGTGCCAGGTGGAGCGGCAGGAAGGCCACTCACAGG[G>T]CTTCAACAAGCTAGCTGAGGTGGGTGTGTATGGCAGAGCCCAAAGTGAACAGTCTGTGGA-3'
Protein context (NP_995583.1, residues 44-64): QVERQEGHSQ[Gly54Val]FNKLAETLRW